The following is an entry in ClinVar:

NM_001040142.2(SCN2A):c.4259C>T (p.Thr1420Met)

Gene: SCN2A (sodium voltage-gated channel alpha subunit 2; plus strand). Cytogenetic location: 2q24.3.
Variant type: single nucleotide variant.
Coding change: c.4259C>T on transcript NM_001040142.2 (MANE Select); coding-DNA position 4259, C replaced by T.
Protein change: p.Thr1420Met; replaces threonine 1420 with methionine.
Molecular consequence: missense variant.
Genome position (GRCh38, 1-based): chr2:165,377,601, C>T. VCF-style: chr2-165377601-C-T. GRCh37 (hg19) VCF-style: chr2-166234111-C-T.
Other names: c.4259C>T, p.Thr1420Met (NM_001040143.2, NM_001371246.1, NM_001371247.1 and 1 more transcripts); short protein forms T1420M.
Identifiers: ClinVar variation 1727250 (VCV001727250.2), dbSNP rs1382026643, ClinGen allele CA349032906.

Conditions:
Complex neurodevelopmental disorder. Identifiers: Orphanet 528084, MedGen C5568766, MONDO:0100038.

Submission:

Channelopathy-Associated Epilepsy Research Center
No classification provided (evidence only). Condition: Complex neurodevelopmental disorder. Review status: no classification provided. Collection method: literature only. Allele origin: not applicable. Functional consequence: Moderate decrease in peak current, Normal voltage dependence of fast inactivation, Normal voltage dependence of activation, Acceleration of fast inactivation, Overall loss-of-function.
ClinVar note: "not provided" was previously submitted as the classification for the variant. However, the classification appeared to be based only on an observation of functional data so it was converted to no classification on 2025-07-30.

Literature cited by the submitters: PubMed 28256214.